The following is an entry in ClinVar:

ClinVar aggregate classification (germline): Uncertain significance (1 of 4 stars; one submission).

Conditions:
Neurofibromatosis, type 1 (NF1). Also called: Peripheral type neurofibromatosis; Neurofibromatosis, type I; VON RECKLINGHAUSEN DISEASE; NEUROFIBROMATOSIS, TYPE I, SOMATIC. Identifiers: Orphanet 636, MedGen C0027831, MONDO:0018975, OMIM 162200. Disease mechanism: loss of function.

Submission:

Labcorp Genetics (formerly Invitae), Labcorp
Classification: Uncertain significance for Neurofibromatosis, type 1. Last evaluated: 2019-04-17. Review status: criteria provided, single submitter. Criteria: Invitae Variant Classification Sherloc (09022015). Collection method: clinical testing. Allele origin: germline.
Comment: Experimental studies and prediction algorithms are not available for this variant, and the functional significance of the affected amino acid(s) is currently unknown. In summary, the available evidence is currently insufficient to determine the role of this variant in disease. Therefore, it has been classified as a Variant of Uncertain Significance. This variant results in a copy number gain of the genomic region encompassing exons 3-8 of the NF1 gene. While the exact position of this variant cannot be determined from this data, sub-genic copy number gains are generally in tandem (PMID: 25640679). This variant would be expected to be in-frame, preserving the integrity of the reading frame.

Literature cited by the submitters: PubMed 25640679.

NC_000017.11:g.(?_31159000)_(31182675_?)dup

Gene: NF1 (neurofibromin 1; plus strand). Cytogenetic location: 17q11.2.
Variant type: Duplication.
Identifiers: ClinVar variation 832278 (VCV000832278.4).